The following is an entry in ClinVar:

NM_000532.5(PCCB):c.966+5G>A

Gene: PCCB (propionyl-CoA carboxylase subunit beta; plus strand). Cytogenetic location: 3q22.3.
Variant type: single nucleotide variant.
Coding change: c.966+5G>A on transcript NM_000532.5 (MANE Select); 5 bases into the intron after coding-DNA position 966, G replaced by A.
Molecular consequence: intron variant.
Genome position (GRCh38, 1-based): chr3:136,301,116, G>A. VCF-style: chr3-136301116-G-A. GRCh37 (hg19) VCF-style: chr3-136019958-G-A.
Other names: c.1026+5G>A (NM_001178014.2).
Identifiers: ClinVar variation 1429871 (VCV001429871.4), dbSNP rs1255284441, ClinGen allele CA899348899.

ClinVar aggregate classification (germline): Uncertain significance. Review status: criteria provided, multiple submitters, no conflicts (2 of 4 stars). 2 submissions from 2 submitters: Uncertain significance (2). Last evaluated 2025-10-29.

Conditions:
Propionic acidemia (PROP). Also called: GLYCINEMIA, KETOTIC; HYPERGLYCINEMIA WITH KETOACIDOSIS AND LEUKOPENIA; KETOTIC HYPERGLYCINEMIA. Identifiers: Orphanet 35, MedGen C0268579, MONDO:0011628, OMIM 606054, HP:0003571.

Allele frequency attached by ClinVar (database versions not stated): TOPMed below 0.00001.

Submissions (2):

Women's Health and Genetics/Laboratory Corporation of America, LabCorp
Classification: Uncertain significance. Last evaluated: 2025-10-29. Review status: criteria provided, single submitter. Criteria: LabCorp Variant Classification Summary - May 2015. Collection method: clinical testing. Allele origin: germline.
Comment: Variant summary: PCCB c.966+5G>A alters a nucleotide located close to a canonical splice site and therefore could affect mRNA splicing, leading to a significantly altered protein sequence. Several computational tools predict a significant impact on normal splicing: Four predict the variant abolishes a 5' splicing donor site. However, these predictions have yet to be confirmed by functional studies. The variant was absent in 251348 control chromosomes (gnomAD). The available data on variant occurrences in the general population are insufficient to allow any conclusion about variant significance. c.966+5G>A has been observed in at least one individual affected with Propionic Acidemia (Reischl-Hajiabadi_2024). The report does not provide unequivocal conclusions about association of the variant with Propionic Acidemia. To our knowledge, no experimental evidence demonstrating an impact on protein function has been reported. The following publication have been ascertained in the context of this evaluation (PMID: 38563533). ClinVar contains an entry for this variant (Variation ID: 1429871). Based on the evidence outlined above, the variant was classified as uncertain significance.

Labcorp Genetics (formerly Invitae), Labcorp
Classification: Uncertain significance for Propionic acidemia. Last evaluated: 2021-12-07. Review status: criteria provided, single submitter. Criteria: Invitae Variant Classification Sherloc (09022015). Collection method: clinical testing. Allele origin: germline.
Comment: This sequence change falls in intron 9 of the PCCB gene. It does not directly change the encoded amino acid sequence of the PCCB protein. It affects a nucleotide within the consensus splice site. This variant is not present in population databases (gnomAD no frequency). This variant has not been reported in the literature in individuals affected with PCCB-related conditions. Variants that disrupt the consensus splice site are a relatively common cause of aberrant splicing (PMID: 17576681, 9536098). Algorithms developed to predict the effect of sequence changes on RNA splicing suggest that this variant may disrupt the consensus splice site. In summary, the available evidence is currently insufficient to determine the role of this variant in disease. Therefore, it has been classified as a Variant of Uncertain Significance.

Literature cited by the submitters: PubMed 38563533 (cited by Women's Health and Genetics/Laboratory Corporation of America, LabCorp); PubMed 17576681 (cited by Labcorp Genetics (formerly Invitae), Labcorp); PubMed 9536098 (cited by Labcorp Genetics (formerly Invitae), Labcorp).